The following is an entry in ClinVar:

NM_006445.4(PRPF8):c.4901C>T (p.Ser1634Phe)

Gene: PRPF8 (pre-mRNA processing factor 8; minus strand). Cytogenetic location: 17p13.3.
Variant type: single nucleotide variant.
Coding change: c.4901C>T on transcript NM_006445.4 (MANE Select); coding-DNA position 4901, C replaced by T.
Protein change: p.Ser1634Phe; replaces serine 1634 with phenylalanine.
Molecular consequence: missense variant.
Genome position (GRCh38, 1-based): chr17:1,659,886, G>A on the plus strand (C>T on the coding strand, the complement: PRPF8 is on the minus strand). VCF-style: chr17-1659886-G-A. GRCh37 (hg19) VCF-style: chr17-1563180-G-A.
Other names: short protein forms S1634F.
Identifiers: ClinVar variation 1478005 (VCV001478005.6), dbSNP rs2151115488, ClinGen allele CA397574516.

ClinVar aggregate classification (germline): Uncertain significance (1 of 4 stars; one submission).

Submission:

Labcorp Genetics (formerly Invitae), Labcorp
Classification: Uncertain significance. Last evaluated: 2021-10-08. Review status: criteria provided, single submitter. Criteria: Invitae Variant Classification Sherloc (09022015). Collection method: clinical testing. Allele origin: germline.
Comment: This sequence change replaces serine with phenylalanine at codon 1634 of the PRPF8 protein (p.Ser1634Phe). The serine residue is moderately conserved and there is a large physicochemical difference between serine and phenylalanine. This variant is not present in population databases (ExAC no frequency). This variant has not been reported in the literature in individuals affected with PRPF8-related conditions. Algorithms developed to predict the effect of missense changes on protein structure and function (SIFT, PolyPhen-2, Align-GVGD) all suggest that this variant is likely to be tolerated. In summary, the available evidence is currently insufficient to determine the role of this variant in disease. Therefore, it has been classified as a Variant of Uncertain Significance.